The following is an entry in ClinVar:

NM_201548.5(CERKL):c.1166A>G (p.Asn389Ser)

Gene: CERKL (CERK like autophagy regulator; minus strand). Cytogenetic location: 2q31.3.
Variant type: single nucleotide variant.
Coding change: c.1166A>G on transcript NM_201548.5 (MANE Select); coding-DNA position 1166, A replaced by G.
Protein change: p.Asn389Ser; replaces asparagine 389 with serine.
Molecular consequence: missense variant. On other transcripts: non-coding transcript variant (2).
Genome position (GRCh38, 1-based): chr2:181,547,720, T>C on the plus strand (A>G on the coding strand, the complement: CERKL is on the minus strand). VCF-style: chr2-181547720-T-C. GRCh37 (hg19) VCF-style: chr2-182412447-T-C.
Other names: c.1244A>G, p.Asn415Ser (NM_001030311.3); c.827A>G, p.Asn276Ser (NM_001030312.3); c.959A>G, p.Asn320Ser (NM_001030313.3); c.1112A>G, p.Asn371Ser (NM_001160277.2); short protein forms N415S, N276S, N371S, N389S, N320S.
Identifiers: ClinVar variation 970895 (VCV000970895.10), dbSNP rs1687791244, ClinGen allele CA349735688.
Genomic context (GRCh38, chr2:181,547,720, plus strand): 5'-CAAGGAATTGCCATAATGCTGACATTCAAGAACTGACCCTGGATCATTTGCCATTGATCA[T>C]TACAGTCTAAAGGTAATGAAAGTGATTGGTTATTTTCCCTCACCAGAACAAAATGTCAAC-3'
Protein context (NP_963842.1, residues 379-399): RAQGSPKSDC[Asn389Ser]DQWQMIQGQF

ClinVar aggregate classification (germline): Uncertain significance. Review status: criteria provided, single submitter (1 of 4 stars). 2 submissions from 2 submitters: Uncertain significance (1). 1 of the submissions does not count toward it. Last evaluated 2024-10-25.

Conditions:
Retinitis pigmentosa 26 (RP26). Identifiers: Orphanet 791, MedGen C1842127, MONDO:0012024, OMIM 608380.

Allele frequency attached by ClinVar (database versions not stated): gnomAD exomes 0.00001.
gnomAD v4.1: 10 of 1,613,990 alleles (0.00062%); highest among the groups gnomAD compares: Non-Finnish European, 0.00076%; no homozygotes.

Submissions (2):

Labcorp Genetics (formerly Invitae), Labcorp
Classification: Uncertain significance. Last evaluated: 2024-10-25. Review status: criteria provided, single submitter. Criteria: Invitae Variant Classification Sherloc (09022015). Collection method: clinical testing. Allele origin: germline.
Comment: This sequence change replaces asparagine, which is neutral and polar, with serine, which is neutral and polar, at codon 415 of the CERKL protein (p.Asn415Ser). This variant is not present in population databases (gnomAD no frequency). This variant has not been reported in the literature in individuals affected with CERKL-related conditions. ClinVar contains an entry for this variant (Variation ID: 970895). Invitae Evidence Modeling of protein sequence and biophysical properties (such as structural, functional, and spatial information, amino acid conservation, physicochemical variation, residue mobility, and thermodynamic stability) indicates that this missense variant is not expected to disrupt CERKL protein function with a negative predictive value of 95%. In summary, the available evidence is currently insufficient to determine the role of this variant in disease. Therefore, it has been classified as a Variant of Uncertain Significance.

Natera, Inc.
Classification: Uncertain significance for Retinitis Pigmentosa 26. Last evaluated: 2020-10-14. Review status: no assertion criteria provided. Collection method: clinical testing. Allele origin: germline. Not counted in ClinVar's aggregate classification.